The following is an entry in ClinVar:

NM_002497.4(NEK2):c.761T>G (p.Leu254Ter)

Gene: NEK2 (NIMA related kinase 2; minus strand). Cytogenetic location: 1q32.3.
Variant type: single nucleotide variant.
Coding change: c.761T>G on transcript NM_002497.4 (MANE Select); coding-DNA position 761, T replaced by G.
Protein change: p.Leu254Ter; replaces leucine 254 with a stop codon.
Molecular consequence: nonsense.
Genome position (GRCh38, 1-based): chr1:211,670,285, A>C on the plus strand (T>G on the coding strand, the complement: NEK2 is on the minus strand). VCF-style: chr1-211670285-A-C. GRCh37 (hg19) VCF-style: chr1-211843627-A-C.
Other names: c.761T>G, p.Leu254Ter (NM_001204182.2, NM_001204183.2); short protein forms L254*.
Identifiers: ClinVar variation 1496890 (VCV001496890.6), dbSNP rs2102444383, ClinGen allele CA344779538.

ClinVar aggregate classification (germline): Uncertain significance (1 of 4 stars; one submission).

Submission:

Labcorp Genetics (formerly Invitae), Labcorp
Classification: Uncertain significance. Last evaluated: 2021-06-06. Review status: criteria provided, single submitter. Criteria: Invitae Variant Classification Sherloc (09022015). Collection method: clinical testing. Allele origin: germline.
Comment: In summary, the available evidence is currently insufficient to determine the role of this variant in disease. Therefore, it has been classified as a Variant of Uncertain Significance. This variant is not present in population databases (ExAC no frequency). This variant has not been reported in the literature in individuals with NEK2-related conditions. This sequence change creates a premature translational stop signal (p.Leu254*) in the NEK2 gene. It is expected to result in an absent or disrupted protein product. However, the current clinical and genetic evidence is not sufficient to establish whether loss-of-function variants in NEK2 cause disease.